The following is an entry in ClinVar:

ClinVar aggregate classification (germline): Conflicting classifications of pathogenicity. Review status: criteria provided, conflicting classifications (1 of 4 stars). 6 submissions from 6 submitters: Pathogenic (2); Likely pathogenic (1); Uncertain significance (2). 1 of the submissions does not count toward it. Last evaluated 2026-05-14.

Conditions:
Retinitis pigmentosa 26 (RP26). Identifiers: Orphanet 791, MedGen C1842127, MONDO:0012024, OMIM 608380.
CERKL-related disorders.

Allele frequency attached by ClinVar (database versions not stated): ExAC 0.00001; TOPMed 0.00002; gnomAD 0.00004; gnomAD exomes 0.00004 and 0.00008.
gnomAD v4.1: 116 of 1,613,938 alleles (0.0072%); highest among the groups gnomAD compares: Non-Finnish European, 0.0094%; no homozygotes.

Submissions (6):

Myriad Genetics, Inc.
Classification: Uncertain significance for Retinitis pigmentosa 26. Last evaluated: 2026-05-14. Review status: criteria provided, single submitter. Criteria: Myriad Autosomal Dominant, Autosomal Recessive and X-Linked Classification Criteria (2023). Collection method: clinical testing. Allele origin: unknown.
Comment: NM_001030311.2(CERKL):c.1031T>C(F344S) is a missense variant classified as a variant of uncertain significance in the context of retinitis pigmentosa, CERKL-related. F344S has been observed in cases with relevant disease (PMID: 37331655, 36819107, 38540785). Relevant functional assessments of this variant are not available in the literature. F344S has been observed in referenced population frequency databases. In summary, there is insufficient evidence to classify NM_001030311.2(CERKL):c.1031T>C(F344S) as pathogenic or benign. Please note: this variant was assessed in the context of healthy population screening.

Women's Health and Genetics/Laboratory Corporation of America, LabCorp
Classification: Uncertain significance. Last evaluated: 2025-05-29. Review status: criteria provided, single submitter. Criteria: LabCorp Variant Classification Summary - May 2015. Collection method: clinical testing. Allele origin: germline.
Comment: Variant summary: CERKL c.1031T>C (p.Phe344Ser) results in a non-conservative amino acid change in the encoded protein sequence. Algorithms developed to predict the effect of missense changes on protein structure and function are either unavailable or do not agree on the potential impact of this missense change. The variant allele was found at a frequency of 3.6e-05 in 250934 control chromosomes. c.1031T>C has been observed in individual(s) affected with Retinitis Pigmentosa (example: Daich Varela_2023, internal data). In at least one of these individuals the variant was found to be carried in trans with a pathogenic variant. These data indicate that the variant may be associated with disease. To our knowledge, no experimental evidence demonstrating an impact on protein function has been reported. The following publications have been ascertained in the context of this evaluation (PMID: 36819107, 37331655, 38540785). ClinVar contains an entry for this variant (Variation ID: 1056369). Based on the evidence outlined above, the variant was classified as VUS-possibly pathogenic.

Labcorp Genetics (formerly Invitae), Labcorp
Classification: Pathogenic. Last evaluated: 2024-10-16. Review status: criteria provided, single submitter. Criteria: Invitae Variant Classification Sherloc (09022015). Collection method: clinical testing. Allele origin: germline.
Comment: This sequence change replaces phenylalanine, which is neutral and non-polar, with serine, which is neutral and polar, at codon 344 of the CERKL protein (p.Phe344Ser). This variant is present in population databases (rs745341953, gnomAD 0.008%). This missense change has been observed in individual(s) with clinical features of retinitis pigmentosa (PMID: 36819107; internal data). In at least one individual the data is consistent with being in trans (on the opposite chromosome) from a pathogenic variant. ClinVar contains an entry for this variant (Variation ID: 1056369). Invitae Evidence Modeling of protein sequence and biophysical properties (such as structural, functional, and spatial information, amino acid conservation, physicochemical variation, residue mobility, and thermodynamic stability) indicates that this missense variant is expected to disrupt CERKL protein function with a positive predictive value of 95%. For these reasons, this variant has been classified as Pathogenic.

Fulgent Genetics
Classification: Likely pathogenic for Retinitis pigmentosa 26. Last evaluated: 2024-06-19. Review status: criteria provided, single submitter. Criteria: ACMG Guidelines, 2015. Collection method: clinical testing. Allele origin: germline.

Blueprint Genetics
Classification: Pathogenic for CERKL-related disorders. Last evaluated: 2024-04-30. Review status: criteria provided, single submitter. Criteria: ACMG Guidelines, 2015. Collection method: clinical testing. Allele origin: germline. Affected: yes. Observed: 2 variant alleles.

Natera, Inc.
Classification: Uncertain significance for Retinitis Pigmentosa 26. Last evaluated: 2020-10-15. Review status: no assertion criteria provided. Collection method: clinical testing. Allele origin: germline. Not counted in ClinVar's aggregate classification.

Literature cited by the submitters: PubMed 36819107 (cited by 3 submitters); PubMed 37331655 (cited by Myriad Genetics, Inc. and Women's Health and Genetics/Laboratory Corporation of America, LabCorp); PubMed 38540785 (cited by Myriad Genetics, Inc. and Women's Health and Genetics/Laboratory Corporation of America, LabCorp).

NM_201548.5(CERKL):c.953T>C (p.Phe318Ser)

Gene: CERKL (CERK like autophagy regulator; minus strand). Cytogenetic location: 2q31.3.
Variant type: single nucleotide variant.
Coding change: c.953T>C on transcript NM_201548.5 (MANE Select); coding-DNA position 953, T replaced by C.
Protein change: p.Phe318Ser; replaces phenylalanine 318 with serine.
Molecular consequence: missense variant. On other transcripts: non-coding transcript variant (2).
Genome position (GRCh38, 1-based): chr2:181,548,800, A>G on the plus strand (T>C on the coding strand, the complement: CERKL is on the minus strand). VCF-style: chr2-181548800-A-G. GRCh37 (hg19) VCF-style: chr2-182413527-A-G.
Other names: c.1031T>C, p.Phe344Ser (NM_001030311.3); c.614T>C, p.Phe205Ser (NM_001030312.3); c.746T>C, p.Phe249Ser (NM_001030313.3); c.899T>C, p.Phe300Ser (NM_001160277.2); c.1031T>C (NM_001030311.2); short protein forms F205S, F249S, F300S, F318S, F344S.
Identifiers: ClinVar variation 1056369 (VCV001056369.15), dbSNP rs745341953, ClinGen allele CA2010603.